The following is an entry in ClinVar:

NM_000552.5(VWF):c.5778G>A (p.Ser1926=)

Gene: VWF (von Willebrand factor; minus strand). Cytogenetic location: 12p13.31.
Variant type: single nucleotide variant.
Coding change: c.5778G>A on transcript NM_000552.5 (MANE Select); coding-DNA position 5778, G replaced by A.
Protein change: p.Ser1926=; no amino-acid change (serine 1926 retained).
Molecular consequence: synonymous variant.
Genome position (GRCh38, 1-based): chr12:6,011,681, C>T on the plus strand (G>A on the coding strand, the complement: VWF is on the minus strand). VCF-style: chr12-6011681-C-T. GRCh37 (hg19) VCF-style: chr12-6120847-C-T.
Other names: p.Ser1926=.
Identifiers: ClinVar variation 2683179 (VCV002683179.1), dbSNP rs1352899352, ClinGen allele CA478100200.

ClinVar aggregate classification (germline): Uncertain significance (1 of 4 stars; one submission).

Allele frequency attached by ClinVar (database versions not stated): gnomAD exomes below 0.00001; gnomAD 0.00001.
gnomAD v4.1: 7 of 1,613,692 alleles (0.00043%); highest among the groups gnomAD compares: Admixed American, 0.01%; no homozygotes.

Submission:

Mayo Clinic Laboratories, Mayo Clinic
Classification: Uncertain significance. Last evaluated: 2023-01-16. Review status: criteria provided, single submitter. Criteria: ACMG Guidelines, 2015. Collection method: clinical testing. Allele origin: germline. Observed: 1 variant allele.
Comment: BP4, BP7, PS4_moderate